The following is an entry in ClinVar:

NM_000359.3(TGM1):c.327del (p.Met109fs)

Gene: TGM1 (transglutaminase 1; minus strand). Cytogenetic location: 14q12.
Variant type: Deletion.
Coding change: c.327del on transcript NM_000359.3 (MANE Select); coding-DNA position 327, one base deleted (G; older notation c.327delG).
Protein change: p.Met109fs; shifts the reading frame from methionine 109.
Molecular consequence: frameshift variant.
Genome position (GRCh38, 1-based): chr14:24,261,876, C deleted on the plus strand (G on the coding strand, the reverse complement: TGM1 is on the minus strand). VCF-style (leftmost placement, unchanged base first): chr14-24261875-GC-G. GRCh37 (hg19) VCF-style: chr14-24731081-GC-G.
Other names: short protein forms M109fs.
Identifiers: ClinVar variation 1453684 (VCV001453684.6), dbSNP rs1405595340, ClinGen allele CA704353433.

ClinVar aggregate classification (germline): Pathogenic (1 of 4 stars; one submission).

Allele frequency attached by ClinVar (database versions not stated): TOPMed below 0.00001.

Submission:

Labcorp Genetics (formerly Invitae), Labcorp
Classification: Pathogenic. Last evaluated: 2021-11-06. Review status: criteria provided, single submitter. Criteria: Invitae Variant Classification Sherloc (09022015). Collection method: clinical testing. Allele origin: germline.
Comment: For these reasons, this variant has been classified as Pathogenic. This premature translational stop signal has been observed in individual(s) with congenital ichthyosis (PMID: 30950025). This variant is not present in population databases (gnomAD no frequency). This sequence change creates a premature translational stop signal (p.Met109Ilefs*2) in the TGM1 gene. It is expected to result in an absent or disrupted protein product. Loss-of-function variants in TGM1 are known to be pathogenic (PMID: 18948357, 19241467).

Literature cited by the submitters: PubMed 30950025; PubMed 18948357; PubMed 19241467.